The following is an entry in ClinVar:

ClinVar aggregate classification (germline): Uncertain significance (1 of 4 stars; one submission).

Conditions:
Menkes kinky-hair syndrome (MNK). Also called: Copper transport disease; Classic Menkes Disease; Menkes Disease. Identifiers: Orphanet 565, MedGen C0022716, MONDO:0010651, OMIM 309400.

Submission:

OLLIN Analises Genomicas, OLLIN
Classification: Uncertain significance for Menkes kinky-hair syndrome. Last evaluated: 2026-08-06. Review status: criteria provided, single submitter. Criteria: ACMG Guidelines 2015 PMID 25741868. Collection method: clinical testing. Allele origin: germline. Inheritance: X-linked inheritance.
Comment: This missense variant, located in exon 4 (of 23), is absent from gnomAD and ClinVar and has not been identified in the literature. In silico analysis is inconclusive regarding the impact of this variant. According to the currently available evidence, this variant has been classified as uncertain significance (PM2_P).

NM_000052.7(ATP7A):c.808A>G (p.Ser270Gly)

Gene: ATP7A (ATPase copper transporting alpha; plus strand). Cytogenetic location: Xq21.1.
Variant type: single nucleotide variant.
Coding change: c.808A>G on transcript NM_000052.7 (MANE Select); coding-DNA position 808, A replaced by G.
Protein change: p.Ser270Gly; replaces serine 270 with glycine.
Molecular consequence: missense variant.
Genome position (GRCh38, 1-based): chrX:77,989,430, A>G. VCF-style: chrX-77989430-A-G. GRCh37 (hg19) VCF-style: chrX-77244926-A-G.
Other names: c.808A>G, p.Ser270Gly (NM_001282224.2); short protein forms S270G.
Identifiers: ClinVar variation 5002888 (VCV005002888.1).